The following is an entry in ClinVar:

NM_025114.4(CEP290):c.78T>G (p.Asp26Glu)

Gene: CEP290 (centrosomal protein 290; minus strand). Cytogenetic location: 12q21.32.
Variant type: single nucleotide variant.
Coding change: c.78T>G on transcript NM_025114.4 (MANE Select); coding-DNA position 78, T replaced by G.
Protein change: p.Asp26Glu; replaces aspartic acid 26 with glutamic acid.
Molecular consequence: missense variant.
Genome position (GRCh38, 1-based): chr12:88,141,230, A>C on the plus strand (T>G on the coding strand, the complement: CEP290 is on the minus strand). VCF-style: chr12-88141230-A-C. GRCh37 (hg19) VCF-style: chr12-88535007-A-C.
Other names: short protein forms D26E.
Identifiers: ClinVar variation 1720662 (VCV001720662.5), dbSNP rs2040639110, ClinGen allele CA385990193.

ClinVar aggregate classification (germline): Uncertain significance (1 of 4 stars; one submission).

Conditions:
Nephronophthisis. Also called: Juvenile Nephronophthisis. Identifiers: Orphanet 655, MedGen C0687120, MONDO:0019005, HP:0000090.
Meckel-Gruber syndrome. Also called: DYSENCEPHALIA SPLANCHNOCYSTICA; GRUBER SYNDROME; Dysencephalia splachnocystica. Identifiers: Orphanet 564, MedGen C0265215, MONDO:0018921.
Joubert syndrome. Also called: CEREBELLOPARENCHYMAL DISORDER IV; JOUBERT-BOLTSHAUSER SYNDROME; Familial aplasia of the vermis. Identifiers: Orphanet 475, MedGen C5979921, MONDO:0018772.

Submission:

Labcorp Genetics (formerly Invitae), Labcorp
Classification: Uncertain significance for Joubert syndrome; Meckel-Gruber syndrome; Nephronophthisis. Last evaluated: 2024-12-24. Review status: criteria provided, single submitter. Criteria: Invitae Variant Classification Sherloc (09022015). Collection method: clinical testing. Allele origin: germline.
Comment: This sequence change replaces aspartic acid, which is acidic and polar, with glutamic acid, which is acidic and polar, at codon 26 of the CEP290 protein (p.Asp26Glu). This variant is not present in population databases (gnomAD no frequency). This variant has not been reported in the literature in individuals affected with CEP290-related conditions. ClinVar contains an entry for this variant (Variation ID: 1720662). Invitae Evidence Modeling of protein sequence and biophysical properties (such as structural, functional, and spatial information, amino acid conservation, physicochemical variation, residue mobility, and thermodynamic stability) indicates that this missense variant is not expected to disrupt CEP290 protein function with a negative predictive value of 80%. In summary, the available evidence is currently insufficient to determine the role of this variant in disease. Therefore, it has been classified as a Variant of Uncertain Significance.